The following is an entry in ClinVar:

ClinVar aggregate classification (germline): Benign/Likely benign. Review status: criteria provided, multiple submitters, no conflicts (2 of 4 stars). 2 submissions from 2 submitters: Benign (1); Likely benign (1). Last evaluated 2024-12-03.

Conditions:
Neurodevelopmental disorder with hypotonia, stereotypic hand movements, and impaired language. Also called: Intellectual disability, autosomal dominant 20. Identifiers: Orphanet 228384, Orphanet 664410, MedGen C3150700, MONDO:0013266, OMIM 613443.

Submissions (2):

Labcorp Genetics (formerly Invitae), Labcorp
Classification: Benign for Neurodevelopmental disorder with hypotonia, stereotypic hand movements, and impaired language. Last evaluated: 2024-12-03. Review status: criteria provided, single submitter. Criteria: Invitae Variant Classification Sherloc (09022015). Collection method: clinical testing. Allele origin: germline.

Women's Health and Genetics/Laboratory Corporation of America, LabCorp
Classification: Likely benign. Last evaluated: 2024-07-11. Review status: criteria provided, single submitter. Criteria: LabCorp Variant Classification Summary - May 2015. Collection method: clinical testing. Allele origin: germline.
Comment: Variant summary: MEF2C c.638-9delT alters a nucleotide located at a position not widely known to affect splicing. Consensus agreement among computation tools predict no significant impact on normal splicing. However, these predictions have yet to be confirmed by functional studies. The variant was absent in 1602922 control chromosomes. The available data on variant occurrences in the general population are insufficient to allow any conclusion about variant significance. To our knowledge, no occurrence of c.638-9delT in individuals affected with Intellectual Disability, Autosomal Dominant 20 and no experimental evidence demonstrating its impact on protein function have been reported. ClinVar contains an entry for this variant (Variation ID: 2029964). Based on the evidence outlined above, the variant was classified as likely benign.

NM_002397.5(MEF2C):c.638-9del

Gene: MEF2C (myocyte enhancer factor 2C; minus strand). Cytogenetic location: 5q14.3.
Variant type: Deletion.
Coding change: c.638-9del on transcript NM_002397.5 (MANE Select); 9 bases into the intron before coding-DNA position 638, one base deleted (T; older notation c.638-9delT).
Molecular consequence: intron variant.
Genome position (GRCh38, 1-based): chr5:88,731,910, A deleted on the plus strand (T on the coding strand, the reverse complement: MEF2C is on the minus strand); the first of 6 consecutive A bases (chr5:88,731,910-88,731,915); deleting any one gives the same sequence. VCF-style (leftmost placement, unchanged base first): chr5-88731909-CA-C. GRCh37 (hg19) VCF-style: chr5-88027726-CA-C.
Other names: c.638-9del (NM_001364329.2, NM_001364330.2, NM_001364333.2 and 18 more transcripts); c.494-9del (NM_001364344.2, NM_001364354.2, NM_001364332.2 and 3 more transcripts); c.260-9del (NM_001364353.2, NM_001364356.2); c.632-9del (NM_001131005.2, NM_001364352.2, NM_001364343.2); c.692-9del (NM_001193347.1, NM_001364338.2); c.212-9del (NM_001364357.2); c.638-9delT (NM_002397.5).
Identifiers: ClinVar variation 2029964 (VCV002029964.5), dbSNP rs754587449, ClinGen allele CA2580073845.